The following is an entry in ClinVar:

ClinVar aggregate classification (germline): Likely benign (1 of 4 stars; one submission).

Conditions:
Breast-ovarian cancer, familial, susceptibility to, 3. Also called: RAD51C-Related Breast/Ovarian Cancer. Identifiers: Orphanet 145, MedGen C3150659, MONDO:0013253, OMIM 613399.

Submission:

Myriad Genetics, Inc.
Classification: Likely benign for Breast-ovarian cancer, familial, susceptibility to, 3. Last evaluated: 2025-02-19. Review status: criteria provided, single submitter. Criteria: Myriad Autosomal Dominant, Autosomal Recessive and X-Linked Classification Criteria (2023). Collection method: clinical testing. Allele origin: unknown.
Comment: This variant is considered likely benign. This variant is intronic and is not expected to impact mRNA splicing.

NM_058216.3(RAD51C):c.905-8delinsTG

Gene: RAD51C (RAD51 paralog C; plus strand). Cytogenetic location: 17q22.
Variant type: Indel.
Coding change: c.905-8delinsTG on transcript NM_058216.3 (MANE Select); 8 bases into the intron before coding-DNA position 905, A replaced by TG.
Molecular consequence: intron variant.
Genome position (GRCh38, 1-based): chr17:58,724,032, A replaced by TG. VCF-style: chr17-58724032-A-TG. GRCh37 (hg19) VCF-style: chr17-56801393-A-TG.
Identifiers: ClinVar variation 3904701 (VCV003904701.1).